The following is an entry in ClinVar:

NM_001018115.3(FANCD2):c.1802A>T (p.Asn601Ile)

Genes: FANCD2 (FA complementation group D2; plus strand), LOC107303338 (3p25 FANCD2 Alu-mediated recombination region; plus strand). Cytogenetic location: 3p25.3.
Variant type: single nucleotide variant.
Coding change: c.1802A>T on transcript NM_001018115.3 (MANE Select); coding-DNA position 1802, A replaced by T.
Protein change: p.Asn601Ile; replaces asparagine 601 with isoleucine.
Molecular consequence: missense variant.
Genome position (GRCh38, 1-based): chr3:10,062,186, A>T. VCF-style: chr3-10062186-A-T. GRCh37 (hg19) VCF-style: chr3-10103870-A-T.
Other names: c.1802A>T, p.Asn601Ile (NM_001319984.2, NM_001374254.1, NM_033084.6); c.1691A>T, p.Asn564Ile (NM_001374253.1); short protein forms N564I, N601I.
Identifiers: ClinVar variation 900329 (VCV000900329.9), dbSNP rs955122662, ClinGen allele CA351728557.

ClinVar aggregate classification (germline): Uncertain significance. Review status: criteria provided, multiple submitters, no conflicts (2 of 4 stars). 2 submissions from 2 submitters: Uncertain significance (2). Last evaluated 2021-03-18.

Conditions:
Fanconi anemia (FA). Also called: Fanconi's anemia. Identifiers: Orphanet 84, MedGen C0015625, MeSH D005199, MONDO:0019391.
Fanconi anemia complementation group D2. Also called: FANCD2-Related Fanconi Anemia; FANCONI PANCYTOPENIA, TYPE 4; FANCONI ANEMIA, COMPLEMENTATION GROUP D. Identifiers: Orphanet 84, MedGen C3160738, MONDO:0009214, OMIM 227646.

gnomAD v4.1: 3 of 1,613,350 alleles (0.00019%); highest among the groups gnomAD compares: Non-Finnish European, 0.00017%; no homozygotes.

Submissions (2):

Labcorp Genetics (formerly Invitae), Labcorp
Classification: Uncertain significance for Fanconi anemia. Last evaluated: 2021-03-18. Review status: criteria provided, single submitter. Criteria: Invitae Variant Classification Sherloc (09022015). Collection method: clinical testing. Allele origin: germline.
Comment: This variant is not present in population databases (ExAC no frequency). In summary, the available evidence is currently insufficient to determine the role of this variant in disease. Therefore, it has been classified as a Variant of Uncertain Significance. Algorithms developed to predict the effect of missense changes on protein structure and function (SIFT, PolyPhen-2, Align-GVGD) all suggest that this variant is likely to be tolerated, but these predictions have not been confirmed by published functional studies and their clinical significance is uncertain. This variant has not been reported in the literature in individuals with FANCD2-related conditions. ClinVar contains an entry for this variant (Variation ID: 900329). This sequence change replaces asparagine with isoleucine at codon 601 of the FANCD2 protein (p.Asn601Ile). The asparagine residue is weakly conserved and there is a large physicochemical difference between asparagine and isoleucine.

Illumina Laboratory Services, Illumina
Classification: Uncertain significance for Fanconi anemia complementation group D2. Last evaluated: 2018-01-15. Review status: criteria provided, single submitter. Criteria: ICSL Variant Classification Criteria 13 December 2019. Collection method: clinical testing. Allele origin: germline.